The following is an entry in ClinVar:

ClinVar aggregate classification (germline): Conflicting classifications of pathogenicity. Review status: criteria provided, conflicting classifications (1 of 4 stars). 4 submissions from 4 submitters: Uncertain significance (1); Benign (2); Likely benign (1). Last evaluated 2025-08-07.

Conditions:
Developmental and epileptic encephalopathy, 5 (DEE5). Identifiers: Orphanet 3451, MedGen C3150731, MONDO:0013277, OMIM 613477.
Inborn genetic diseases. Identifiers: MedGen C0950123, MeSH D030342.
Early-infantile DEE. Also called: Early infantile epileptic encephalopathy with suppression bursts; Early infantile epileptic encephalopathy; Ohtahara syndrome. Identifiers: Orphanet 1934, MedGen C0393706, MONDO:0800491.

Allele frequency attached by ClinVar (database versions not stated): gnomAD exomes 0.00002 and 0.00005; ExAC 0.00003; gnomAD 0.00003; TOPMed 0.00003.
gnomAD v4.1: 71 of 1,607,000 alleles (0.0044%); highest among the groups gnomAD compares: Non-Finnish European, 0.0058%; no homozygotes.

Submissions (4):

GeneDx
Classification: Uncertain significance. Last evaluated: 2025-08-07. Review status: criteria provided, single submitter. Criteria: GeneDx Variant Classification Process June 2021. Collection method: clinical testing. Allele origin: germline. Affected: yes.
Comment: In silico analysis is inconclusive as to whether the variant alters gene splicing. In the absence of RNA/functional studies, the actual effect of this sequence change is unknown.; Has not been previously published as pathogenic or benign to our knowledge

Labcorp Genetics (formerly Invitae), Labcorp
Classification: Benign for Early-infantile DEE. Last evaluated: 2025-03-20. Review status: criteria provided, single submitter. Criteria: Invitae Variant Classification Sherloc (09022015). Collection method: clinical testing. Allele origin: germline.

Genome-Nilou Lab
Classification: Benign for Developmental and epileptic encephalopathy, 5. Last evaluated: 2021-07-15. Review status: criteria provided, single submitter. Criteria: ACMG Guidelines, 2015. Collection method: clinical testing. Allele origin: germline. Affected: no.

Ambry Genetics
Classification: Likely benign for Inborn genetic diseases. Last evaluated: 2017-11-14. Review status: criteria provided, single submitter. Criteria: Ambry Variant Classification Scheme 2023. Collection method: clinical testing. Allele origin: germline.

NM_001130438.3(SPTAN1):c.3156G>A (p.Gln1052=)

Gene: SPTAN1 (spectrin alpha, non-erythrocytic 1; plus strand). Cytogenetic location: 9q34.11.
Variant type: single nucleotide variant.
Coding change: c.3156G>A on transcript NM_001130438.3 (MANE Select); coding-DNA position 3156, G replaced by A.
Protein change: p.Gln1052=; no amino-acid change (glutamine 1052 retained).
Molecular consequence: synonymous variant. On other transcripts: intron variant (2).
Genome position (GRCh38, 1-based): chr9:128,592,983, G>A. VCF-style: chr9-128592983-G-A. GRCh37 (hg19) VCF-style: chr9-131355262-G-A.
Other names: c.3156G>A, p.Gln1052= (NM_001363759.2, NM_003127.4); c.3156-1192G>A (NM_001363765.2, NM_001195532.2).
Identifiers: ClinVar variation 387315 (VCV000387315.17), dbSNP rs749768274, ClinGen allele CA5264865.